The following is an entry in ClinVar:

NM_024675.4(PALB2):c.2341A>C (p.Ser781Arg)

Gene: PALB2 (partner and localizer of BRCA2; minus strand). Cytogenetic location: 16p12.2.
Variant type: single nucleotide variant.
Coding change: c.2341A>C on transcript NM_024675.4 (MANE Select); coding-DNA position 2341, A replaced by C.
Protein change: p.Ser781Arg; replaces serine 781 with arginine.
Molecular consequence: missense variant. On other transcripts: intron variant (1).
Genome position (GRCh38, 1-based): chr16:23,629,813, T>G on the plus strand (A>C on the coding strand, the complement: PALB2 is on the minus strand). VCF-style: chr16-23629813-T-G. GRCh37 (hg19) VCF-style: chr16-23641134-T-G.
Other names: c.2281A>C, p.Ser761Arg (NM_001407296.1); c.2341A>C, p.Ser781Arg (NM_001407297.1, NM_001407298.1, NM_001407299.1 and 3 more transcripts); c.1456A>C, p.Ser486Arg (NM_001407304.1, NM_001407305.1, NM_001407306.1 and 5 more transcripts); c.553A>C, p.Ser185Arg (NM_001407312.1, NM_001407313.1); c.49-538A>C (NM_001407314.1); short protein forms S185R, S486R, S761R, S781R.
Identifiers: ClinVar variation 2562466 (VCV002562466.3), dbSNP rs2142375203, ClinGen allele CA395124970.
Genomic context (GRCh38, chr16:23,629,813, plus strand): 5'-CACAGGTAGGTTGTCCTTGCCTGCCTGACACTTGCAGGGTGGTATGTGGTTTTGCTGGGC[T>G]GCCTGAACTGTCGAATTGTTTAGTATCACTGGCAAGACAGACTGAGTCTTTCAAATGAGC-3'
Protein context (NP_078951.2, residues 771-791): SDTKQFDSSG[Ser781Arg]PAKPHTTLQV

ClinVar aggregate classification (germline): Uncertain significance. Review status: criteria provided, multiple submitters, no conflicts (2 of 4 stars). 2 submissions from 2 submitters: Uncertain significance (2). Last evaluated 2025-10-14.

Conditions:
Familial cancer of breast. Also called: Hereditary breast cancer; hereditary breast carcinoma; BREAST CANCER, FAMILIAL. Identifiers: Orphanet 227535, MedGen C0346153, MONDO:0016419, OMIM 114480. Disease mechanism: loss of function.
Hereditary cancer-predisposing syndrome. Also called: Neoplastic Syndromes, Hereditary; Hereditary Cancer Syndrome; Hereditary neoplastic syndrome; Tumor predisposition. Identifiers: Orphanet 140162, MedGen C0027672, MeSH D009386, MONDO:0015356.

Submissions (2):

Labcorp Genetics (formerly Invitae), Labcorp
Classification: Uncertain significance for Familial cancer of breast. Last evaluated: 2025-10-14. Review status: criteria provided, single submitter. Criteria: Invitae Variant Classification Sherloc (09022015). Collection method: clinical testing. Allele origin: germline.
Comment: This sequence change replaces serine, which is neutral and polar, with arginine, which is basic and polar, at codon 781 of the PALB2 protein (p.Ser781Arg). This variant is not present in population databases (gnomAD no frequency). This variant has not been reported in the literature in individuals affected with PALB2-related conditions. ClinVar contains an entry for this variant (Variation ID: 2562466). Invitae Evidence Modeling of protein sequence and biophysical properties (such as structural, functional, and spatial information, amino acid conservation, physicochemical variation, residue mobility, and thermodynamic stability) indicates that this missense variant is not expected to disrupt PALB2 protein function with a negative predictive value of 80%. In summary, the available evidence is currently insufficient to determine the role of this variant in disease. Therefore, it has been classified as a Variant of Uncertain Significance.

Ambry Genetics
Classification: Uncertain significance for Hereditary cancer-predisposing syndrome. Last evaluated: 2023-03-25. Review status: criteria provided, single submitter. Criteria: Ambry Variant Classification Scheme 2023. Collection method: clinical testing. Allele origin: germline.
Comment: The p.S781R variant (also known as c.2341A>C), located in coding exon 5 of the PALB2 gene, results from an A to C substitution at nucleotide position 2341. The serine at codon 781 is replaced by arginine, an amino acid with dissimilar properties. This amino acid position is conserved. In addition, this alteration is predicted to be tolerated by in silico analysis. Since supporting evidence is limited at this time, the clinical significance of this alteration remains unclear.